The following is an entry in ClinVar:

ClinVar aggregate classification (germline): Uncertain significance (1 of 4 stars; one submission).

Allele frequency attached by ClinVar (database versions not stated): gnomAD exomes below 0.00001.

Submission:

Labcorp Genetics (formerly Invitae), Labcorp
Classification: Uncertain significance. Last evaluated: 2022-04-05. Review status: criteria provided, single submitter. Criteria: Invitae Variant Classification Sherloc (09022015). Collection method: clinical testing. Allele origin: germline.
Comment: This sequence change replaces proline, which is neutral and non-polar, with leucine, which is neutral and non-polar, at codon 310 of the MYLK3 protein (p.Pro310Leu). This variant is not present in population databases (gnomAD no frequency). This variant has not been reported in the literature in individuals affected with MYLK3-related conditions. Algorithms developed to predict the effect of missense changes on protein structure and function (SIFT, PolyPhen-2, Align-GVGD) all suggest that this variant is likely to be tolerated. In summary, the available evidence is currently insufficient to determine the role of this variant in disease. Therefore, it has been classified as a Variant of Uncertain Significance.

NM_182493.3(MYLK3):c.929C>T (p.Pro310Leu)

Gene: MYLK3 (myosin light chain kinase 3; minus strand). Cytogenetic location: 16q11.2.
Variant type: single nucleotide variant.
Coding change: c.929C>T on transcript NM_182493.3 (MANE Select); coding-DNA position 929, C replaced by T.
Protein change: p.Pro310Leu; replaces proline 310 with leucine.
Molecular consequence: missense variant. On other transcripts: intron variant (1).
Genome position (GRCh38, 1-based): chr16:46,737,783, G>A on the plus strand (C>T on the coding strand, the complement: MYLK3 is on the minus strand). VCF-style: chr16-46737783-G-A. GRCh37 (hg19) VCF-style: chr16-46771695-G-A.
Other names: c.-23+2274C>T (NM_001308301.1); short protein forms P310L.
Identifiers: ClinVar variation 2118581 (VCV002118581.4), dbSNP rs2548907915, ClinGen allele CA395793949.